The following is an entry in ClinVar:

ClinVar aggregate classification (germline): Uncertain significance. Review status: criteria provided, multiple submitters, no conflicts (2 of 4 stars). 3 submissions from 3 submitters: Uncertain significance (2). 1 of the submissions does not count toward it. Last evaluated 2025-05-17.

Conditions:
Hereditary cancer-predisposing syndrome. Also called: Tumor predisposition; Hereditary Cancer Syndrome; Neoplastic Syndromes, Hereditary; Hereditary neoplastic syndrome. Identifiers: Orphanet 140162, MedGen C0027672, MeSH D009386, MONDO:0015356.
Ataxia-telangiectasia syndrome (AT). Also called: Cerebello-oculocutaneous telangiectasia; Immunodeficiency with ataxia telangiectasia; Ataxia-telangiectasia, complementation group D; AT, COMPLEMENTATION GROUP C; Ataxia-telangiectasia, complementation group E; LOUIS-BAR SYNDROME. Identifiers: Orphanet 100, MedGen C0004135, MONDO:0008840, OMIM 208900.

Submissions (3):

Ambry Genetics
Classification: Uncertain significance for Hereditary cancer-predisposing syndrome. Last evaluated: 2025-05-17. Review status: criteria provided, single submitter. Criteria: Ambry Variant Classification Scheme 2023. Collection method: clinical testing. Allele origin: germline.
Comment: The p.G494V variant (also known as c.1481G>T), located in coding exon 9 of the ATM gene, results from a G to T substitution at nucleotide position 1481. The glycine at codon 494 is replaced by valine, an amino acid with dissimilar properties. This amino acid position is conserved. In addition, this alteration is predicted to be tolerated by in silico analysis. Since supporting evidence is limited at this time, the clinical significance of this alteration remains unclear.

Labcorp Genetics (formerly Invitae), Labcorp
Classification: Uncertain significance for Ataxia-telangiectasia syndrome. Last evaluated: 2022-02-10. Review status: criteria provided, single submitter. Criteria: Invitae Variant Classification Sherloc (09022015). Collection method: clinical testing. Allele origin: germline.
Comment: This sequence change replaces glycine, which is neutral and non-polar, with valine, which is neutral and non-polar, at codon 494 of the ATM protein (p.Gly494Val). This variant is not present in population databases (gnomAD no frequency). This variant has not been reported in the literature in individuals affected with ATM-related conditions. ClinVar contains an entry for this variant (Variation ID: 453371). Advanced modeling of protein sequence and biophysical properties (such as structural, functional, and spatial information, amino acid conservation, physicochemical variation, residue mobility, and thermodynamic stability) performed at Invitae indicates that this missense variant is not expected to disrupt ATM protein function. In summary, the available evidence is currently insufficient to determine the role of this variant in disease. Therefore, it has been classified as a Variant of Uncertain Significance.

Natera, Inc.
Classification: Uncertain significance for Ataxia-telangiectasia. Last evaluated: 2020-02-15. Review status: no assertion criteria provided. Collection method: clinical testing. Allele origin: germline. Not counted in ClinVar's aggregate classification.

NM_000051.4(ATM):c.1481G>T (p.Gly494Val)

Gene: ATM (ATM serine/threonine kinase; plus strand). Cytogenetic location: 11q22.3.
Variant type: single nucleotide variant.
Coding change: c.1481G>T on transcript NM_000051.4 (MANE Select); coding-DNA position 1481, G replaced by T.
Protein change: p.Gly494Val; replaces glycine 494 with valine.
Molecular consequence: missense variant.
Genome position (GRCh38, 1-based): chr11:108,250,946, G>T. VCF-style: chr11-108250946-G-T. GRCh37 (hg19) VCF-style: chr11-108121673-G-T.
Other names: c.1481G>T, p.Gly494Val (NM_001351834.2); short protein forms G494V.
Identifiers: ClinVar variation 453371 (VCV000453371.15), dbSNP rs786202233, ClinGen allele CA382534188.